The following is an entry in ClinVar:

ClinVar aggregate classification (germline): Likely pathogenic (1 of 4 stars; one submission).

Conditions:
Fetal akinesia deformation sequence 1 (FADS1). Also called: Fetal akinesia sequence; Pena-Shokeir syndrome type I. Identifiers: Orphanet 994, MedGen C1276035, MONDO:0100101, OMIM 208150, HP:0001989.
Congenital myasthenic syndrome 9. Also called: Myasthenic syndrome, congenital, 9, associated with acetylcholine receptor deficiency. Identifiers: Orphanet 590, MedGen C4225368, MONDO:0014587, OMIM 616325.

gnomAD v4.1: 2 of 1,609,710 alleles (0.00012%); no homozygotes.

Submission:

Labcorp Genetics (formerly Invitae), Labcorp
Classification: Likely pathogenic for Congenital myasthenic syndrome 9; Fetal akinesia deformation sequence 1. Last evaluated: 2023-05-17. Review status: criteria provided, single submitter. Criteria: Invitae Variant Classification Sherloc (09022015). Collection method: clinical testing. Allele origin: germline.
Comment: This variant is not present in population databases (gnomAD no frequency). This variant has not been reported in the literature in individuals affected with MUSK-related conditions. Algorithms developed to predict the effect of sequence changes on RNA splicing suggest that this variant may disrupt the consensus splice site. In summary, the currently available evidence indicates that the variant is pathogenic, but additional data are needed to prove that conclusively. Therefore, this variant has been classified as Likely Pathogenic. This sequence change affects an acceptor splice site in intron 6 of the MUSK gene. It is expected to disrupt RNA splicing. Variants that disrupt the donor or acceptor splice site typically lead to a loss of protein function (PMID: 16199547), and loss-of-function variants in MUSK are known to be pathogenic (PMID: 8653786, 25612909, 25695962, 25900532).

Literature cited by the submitters: PubMed 16199547; PubMed 8653786; PubMed 25612909; PubMed 25695962; PubMed 25900532.

NM_005592.4(MUSK):c.754-1G>T

Gene: MUSK (muscle associated receptor tyrosine kinase; plus strand). Cytogenetic location: 9q31.3.
Variant type: single nucleotide variant.
Coding change: c.754-1G>T on transcript NM_005592.4 (MANE Select); the canonical splice acceptor site of the intron before coding-DNA position 754, G replaced by T.
Molecular consequence: splice acceptor variant.
Genome position (GRCh38, 1-based): chr9:110,747,640, G>T. VCF-style: chr9-110747640-G-T. GRCh37 (hg19) VCF-style: chr9-113509920-G-T.
Other names: c.784-1G>T (NM_001166280.2); c.754-1G>T (NM_001166281.2); c.-483-1G>T (NM_001369398.1).
Identifiers: ClinVar variation 2935590 (VCV002935590.3), dbSNP rs2490938188, ClinGen allele CA374668084.